The following is an entry in ClinVar:

ClinVar aggregate classification (germline): Benign. Review status: criteria provided, multiple submitters, no conflicts (2 of 4 stars). 2 submissions from 2 submitters: Benign (2). Last evaluated 2018-01-13.

Conditions:
Retinitis pigmentosa (RP). Identifiers: Orphanet 791, MedGen C0035334, MeSH D012174, MONDO:0019200, OMIM 268000. Inheritance: Autosomal dominant, autosomal recessive and X linked inheritance.

Allele frequency attached by ClinVar (database versions not stated): gnomAD exomes 0.11883; 1000 Genomes Project 0.13299; 1000 Genomes Project 30x 0.13335; gnomAD 0.16843 and 0.16892; TOPMed 0.16951.

Submissions (2):

Illumina Laboratory Services, Illumina
Classification: Benign for Retinitis pigmentosa. Last evaluated: 2018-01-13. Review status: criteria provided, single submitter. Criteria: ICSL Variant Classification Criteria 13 December 2019. Collection method: clinical testing. Allele origin: germline.
Comment: This variant was observed in the ICSL laboratory as part of a predisposition screen in an ostensibly healthy population. It had not been previously curated by ICSL or reported in the Human Gene Mutation Database (HGMD: prior to June 1st, 2018), and was therefore a candidate for classification through an automated scoring system. Utilizing variant allele frequency, disease prevalence and penetrance estimates, and inheritance mode, an automated score was calculated to assess if this variant is too frequent to cause the disease. Based on the score and internal cut-off values, a variant classified as benign is not then subjected to further curation. The score for this variant resulted in a classification of benign for this disease.

Breakthrough Genomics
Classification: Benign. Review status: criteria provided, single submitter. Criteria: ACMG Guidelines, 2015. Collection method: not provided. Allele origin: germline. Inheritance: Unknown mechanism. Affected: yes.

NM_001029883.3(PCARE):c.*1371G>A

Gene: PCARE (photoreceptor cilium actin regulator; minus strand). Cytogenetic location: 2p23.2.
Variant type: single nucleotide variant.
Coding change: c.*1371G>A on transcript NM_001029883.3 (MANE Select); 1371 bases downstream of the stop codon, G replaced by A.
Molecular consequence: 3 prime UTR variant.
Genome position (GRCh38, 1-based): chr2:29,063,498, C>T on the plus strand (G>A on the coding strand, the complement: PCARE is on the minus strand). VCF-style: chr2-29063498-C-T. GRCh37 (hg19) VCF-style: chr2-29286364-C-T.
Identifiers: ClinVar variation 335605 (VCV000335605.6), dbSNP rs57505815, ClinGen allele CA10614937.